The following is an entry in ClinVar:

NM_001110556.2(FLNA):c.853C>T (p.Arg285Cys)

Gene: FLNA (filamin A; minus strand). Cytogenetic location: Xq28.
Variant type: single nucleotide variant.
Coding change: c.853C>T on transcript NM_001110556.2 (MANE Select); coding-DNA position 853, C replaced by T.
Protein change: p.Arg285Cys; replaces arginine 285 with cysteine.
Molecular consequence: missense variant.
Genome position (GRCh38, 1-based): chrX:154,367,412, G>A on the plus strand (C>T on the coding strand, the complement: FLNA is on the minus strand). VCF-style: chrX-154367412-G-A. GRCh37 (hg19) VCF-style: chrX-153595780-G-A.
Other names: c.853C>T, p.Arg285Cys (NM_001456.4); short protein forms R285C.
Identifiers: ClinVar variation 488066 (VCV000488066.49), dbSNP rs1557179536, ClinGen allele CA415248312.

ClinVar aggregate classification (germline): Uncertain significance. Review status: criteria provided, multiple submitters, no conflicts (2 of 4 stars). 3 submissions from 3 submitters: Uncertain significance (2). 1 of the submissions does not count toward it. Last evaluated 2025-12-13.

Conditions:
Heterotopia, periventricular, X-linked dominant (PVNH1). Also called: PERIVENTRICULAR NODULAR HETEROTOPIA 1; PERIVENTRICULAR NODULAR HETEROTOPIA 4; HETEROTOPIA, PERIVENTRICULAR, 1; X-linked periventricular heterotopia. Identifiers: Orphanet 2149, Orphanet 82004, MedGen C1848213, MONDO:0010233, OMIM 300049.
Melnick-Needles syndrome (MNS). Also called: OSTEODYSPLASTY OF MELNICK AND NEEDLES; MELNICK-NEEDLES OSTEODYSPLASTY; Melnick-Needles Syndrome (FLNA-MNS). Identifiers: Orphanet 2484, MedGen C0025237, MONDO:0010650, OMIM 309350.
Frontometaphyseal dysplasia (FMD1). Identifiers: Orphanet 1826, MedGen C0265293, MONDO:0015942.
Oto-palato-digital syndrome, type II (OPD2). Also called: OPD II SYNDROME; FACIOPALATOOSSEOUS SYNDROME; Otopalatodigital Syndrome Type 2 (FLNA-OPD2); Otopalatodigital Syndrome, Type II. Identifiers: Orphanet 669, Orphanet 90652, MedGen C1844696, MONDO:0010571, OMIM 304120.

Submissions (3):

Labcorp Genetics (formerly Invitae), Labcorp
Classification: Uncertain significance for Oto-palato-digital syndrome, type II; Heterotopia, periventricular, X-linked dominant; Frontometaphyseal dysplasia; Melnick-Needles syndrome. Last evaluated: 2025-12-13. Review status: criteria provided, single submitter. Criteria: Invitae Variant Classification Sherloc (09022015). Collection method: clinical testing. Allele origin: germline.
Comment: This sequence change replaces arginine, which is basic and polar, with cysteine, which is neutral and slightly polar, at codon 285 of the FLNA protein (p.Arg285Cys). This variant is not present in population databases (gnomAD no frequency). This missense change has been observed in individual(s) with periventricular heterotopia (PMID: 23032111). ClinVar contains an entry for this variant (Variation ID: 488066). Invitae Evidence Modeling of protein sequence and biophysical properties (such as structural, functional, and spatial information, amino acid conservation, physicochemical variation, residue mobility, and thermodynamic stability) indicates that this missense variant is not expected to disrupt FLNA protein function with a negative predictive value of 95%. In summary, the available evidence is currently insufficient to determine the role of this variant in disease. Therefore, it has been classified as a Variant of Uncertain Significance.

CeGaT Center for Human Genetics Tuebingen
Classification: Uncertain significance. Last evaluated: 2019-12-01. Review status: criteria provided, single submitter. Criteria: CeGaT Center For Human Genetics Tuebingen Variant Classification Criteria Version 2. Collection method: clinical testing. Allele origin: germline. Affected: yes. Observed: 2 variant alleles.

Clinical Genetics Group, University of Otago
Classification: Pathogenic for Heterotopia, periventricular, X-linked dominant. Review status: no assertion criteria provided. Collection method: research. Allele origin: inherited. Affected: yes. Observed: 1 variant allele. Not counted in ClinVar's aggregate classification.

Literature cited by the submitters: PubMed 23032111 (cited by Labcorp Genetics (formerly Invitae), Labcorp); PubMed 29024177 (cited by Clinical Genetics Group, University of Otago).